The following is an entry in ClinVar:

ClinVar aggregate classification (germline): Likely benign (1 of 4 stars; one submission).

Allele frequency attached by ClinVar (database versions not stated): gnomAD exomes below 0.00001.
gnomAD v4.1: 3 of 1,614,138 alleles (0.00019%); highest among the groups gnomAD compares: African/African-American, 0.0027%; no homozygotes.

Submission:

CeGaT Center for Human Genetics Tuebingen
Classification: Likely benign. Last evaluated: 2023-12-01. Review status: criteria provided, single submitter. Criteria: CeGaT Center For Human Genetics Tuebingen Variant Classification Criteria Version 2. Collection method: clinical testing. Allele origin: germline. Affected: yes. Observed: 1 variant allele.
Comment: AOPEP: BP4, BP7

NM_001193329.3(AOPEP):c.1353G>A (p.Leu451=)

Gene: AOPEP (aminopeptidase O (putative); plus strand). Cytogenetic location: 9q22.32.
Variant type: single nucleotide variant.
Coding change: c.1353G>A on transcript NM_001193329.3 (MANE Select); coding-DNA position 1353, G replaced by A.
Protein change: p.Leu451=; no amino-acid change (leucine 451 retained).
Molecular consequence: synonymous variant. On other transcripts: non-coding transcript variant (5).
Genome position (GRCh38, 1-based): chr9:94,800,991, G>A. VCF-style: chr9-94800991-G-A. GRCh37 (hg19) VCF-style: chr9-97563273-G-A.
Other names: c.1353G>A, p.Leu451= (NM_001386072.1, NM_001386074.1, NM_001386075.1 and 10 more transcripts); c.483G>A, p.Leu161= (NM_001386073.1); c.360G>A, p.Leu120= (NM_001386061.1); c.1032G>A, p.Leu344= (NM_001386062.2).
Identifiers: ClinVar variation 3026446 (VCV003026446.22), dbSNP rs773215566, ClinGen allele CA466268724.